The following is an entry in ClinVar:

ClinVar aggregate classification (germline): Likely benign (1 of 4 stars; one submission).

Allele frequency attached by ClinVar (database versions not stated): gnomAD 0.00103; ExAC 0.00173; ESP Exome Variant Server 0.00521.
gnomAD v4.1: 523 of 1,419,368 alleles (0.037%); highest among the groups gnomAD compares: African/African-American, 0.5%; 5 homozygotes.

Submission:

CeGaT Center for Human Genetics Tuebingen
Classification: Likely benign. Last evaluated: 2023-06-01. Review status: criteria provided, single submitter. Criteria: CeGaT Center For Human Genetics Tuebingen Variant Classification Criteria Version 2. Collection method: clinical testing. Allele origin: germline. Affected: yes. Observed: 1 variant allele.
Comment: CRIPAK: BP4, BP7

NM_175918.3(CRIPAK):c.420G>A (p.Thr140=)

Genes: CRIPAK (cysteine rich PAK1 inhibitor; plus strand), UVSSA (UV stimulated scaffold protein A; plus strand), LOC126806945 (P300/CBP strongly-dependent group 1 enhancer GRCh37_chr4:1388225-1389424; plus strand). Cytogenetic location: 4p16.3.
Variant type: single nucleotide variant.
Coding change: c.420G>A on transcript NM_175918.3; coding-DNA position 420, G replaced by A.
Protein change: p.Thr140=; no amino-acid change (threonine 140 retained).
Molecular consequence: synonymous variant.
Genome position (GRCh38, 1-based): chr4:1,394,931, G>A. VCF-style: chr4-1394931-G-A. GRCh37 (hg19) VCF-style: chr4-1388719-G-A.
Identifiers: ClinVar variation 2654565 (VCV002654565.24), dbSNP rs9762117, ClinGen allele CA2806862.